The following is an entry in ClinVar:

ClinVar aggregate classification (germline): Uncertain significance (1 of 4 stars; one submission).

Submission:

Labcorp Genetics (formerly Invitae), Labcorp
Classification: Uncertain significance. Last evaluated: 2022-06-15. Review status: criteria provided, single submitter. Criteria: Invitae Variant Classification Sherloc (09022015). Collection method: clinical testing. Allele origin: germline.
Comment: This sequence change creates a premature translational stop signal (p.Val977Glyfs*6) in the NCKAP1L gene. It is expected to result in an absent or disrupted protein product. However, the current clinical and genetic evidence is not sufficient to establish whether loss-of-function variants in NCKAP1L cause disease. This variant is not present in population databases (gnomAD no frequency). This variant has not been reported in the literature in individuals affected with NCKAP1L-related conditions. In summary, the available evidence is currently insufficient to determine the role of this variant in disease. Therefore, it has been classified as a Variant of Uncertain Significance.

NM_005337.5(NCKAP1L):c.2925dup (p.Val977fs)

Gene: NCKAP1L (NCK associated protein 1 like; plus strand). Cytogenetic location: 12q13.2.
Variant type: Duplication.
Coding change: c.2925dup on transcript NM_005337.5 (MANE Select); coding-DNA position 2925, one base duplicated (C; older notation c.2925dupC).
Protein change: p.Val977fs; shifts the reading frame from valine 977.
Molecular consequence: frameshift variant.
Genome position (GRCh38, 1-based): chr12:54,535,166, C duplicated; the last of 2 consecutive C bases (chr12:54,535,165-54,535,166); duplicating either gives the same sequence. VCF-style (leftmost placement, unchanged base first): chr12-54535164-G-GC. GRCh37 (hg19) VCF-style: chr12-54928948-G-GC.
Other names: c.2775dup, p.Val927fs (NM_001184976.2); short protein forms V977fs, V927fs.
Identifiers: ClinVar variation 2007111 (VCV002007111.4), dbSNP rs2498634632, ClinGen allele CA2580086488.